The following is an entry in ClinVar:

ClinVar aggregate classification (germline): Uncertain significance (1 of 4 stars; one submission).

Submission:

Labcorp Genetics (formerly Invitae), Labcorp
Classification: Uncertain significance. Last evaluated: 2023-07-18. Review status: criteria provided, single submitter. Criteria: Invitae Variant Classification Sherloc (09022015). Collection method: clinical testing. Allele origin: unknown.
Comment: In summary, the available evidence is currently insufficient to determine the role of this variant in disease. Therefore, it has been classified as a Variant of Uncertain Significance. This variant has not been reported in the literature in individuals affected with ASXL1-related conditions. A copy number gain of the genomic region encompassing the full coding sequence of the ASXL1 gene has been identified. The boundaries of this event are unknown as they extend beyond the assayed region for this gene and therefore may encompass additional genes. As the precise location of this event is unknown, it may be in tandem or it may be located elsewhere in the genome.

NC_000020.10:g.(?_30226821)_(31025141_?)dup

Genes: ASXL1 (ASXL transcriptional regulator 1; plus strand), BCL2L1 (BCL2 like 1; minus strand), CCM2L (CCM2 like scaffold protein; plus strand), COX4I2 (cytochrome c oxidase subunit 4I2; plus strand), DUSP15 (dual specificity phosphatase 15; minus strand) and 11 more. Cytogenetic location: 20q11.21.
Variant type: Duplication.
Identifiers: ClinVar variation 3248338 (VCV003248338.1).